The following is an entry in ClinVar:

ClinVar aggregate classification (germline): Uncertain significance. Review status: criteria provided, single submitter (1 of 4 stars). 2 submissions from 2 submitters: Uncertain significance (1). 1 of the submissions does not count toward it. Last evaluated 2024-04-05.

Conditions:
Deficiency of hydroxymethylglutaryl-CoA lyase (HMGCLD). Also called: Defect in leucine metabolism; 3-hydroxy-3-methylglutaric aciduria; HMGCL DEFICIENCY; HYDROXYMETHYLGLUTARIC ACIDURIA; HMG-CoA LYASE DEFICIENCY. Identifiers: Orphanet 20, MedGen C1533587, MONDO:0009520, OMIM 246450.

Allele frequency attached by ClinVar (database versions not stated): gnomAD exomes below 0.00001 and 0.00001; TOPMed 0.00003.
gnomAD v4.1: 13 of 1,614,156 alleles (0.00081%); highest among the groups gnomAD compares: Middle Eastern, 0.033%; no homozygotes.

Submissions (2):

Labcorp Genetics (formerly Invitae), Labcorp
Classification: Uncertain significance for Deficiency of hydroxymethylglutaryl-CoA lyase. Last evaluated: 2024-04-05. Review status: criteria provided, single submitter. Criteria: Invitae Variant Classification Sherloc (09022015). Collection method: clinical testing. Allele origin: germline.
Comment: This sequence change falls in intron 7 of the HMGCL gene. It does not directly change the encoded amino acid sequence of the HMGCL protein. It affects a nucleotide within the consensus splice site. This variant is present in population databases (no rsID available, gnomAD 0.003%). This variant has not been reported in the literature in individuals affected with HMGCL-related conditions. ClinVar contains an entry for this variant (Variation ID: 970766). Variants that disrupt the consensus splice site are a relatively common cause of aberrant splicing (PMID: 17576681, 9536098). Algorithms developed to predict the effect of sequence changes on RNA splicing suggest that this variant is not likely to affect RNA splicing. In summary, the available evidence is currently insufficient to determine the role of this variant in disease. Therefore, it has been classified as a Variant of Uncertain Significance.

Natera, Inc.
Classification: Uncertain significance for HMG-CoA lyase deficiency. Last evaluated: 2020-08-27. Review status: no assertion criteria provided. Collection method: clinical testing. Allele origin: germline. Not counted in ClinVar's aggregate classification.

Literature cited by the submitters: PubMed 17576681 (cited by Labcorp Genetics (formerly Invitae), Labcorp); PubMed 9536098 (cited by Labcorp Genetics (formerly Invitae), Labcorp).

NM_000191.3(HMGCL):c.751-3T>C

Gene: HMGCL (3-hydroxy-3-methylglutaryl-CoA lyase; minus strand). Cytogenetic location: 1p36.11.
Variant type: single nucleotide variant.
Coding change: c.751-3T>C on transcript NM_000191.3 (MANE Select); 3 bases into the intron before coding-DNA position 751, T replaced by C.
Molecular consequence: intron variant.
Genome position (GRCh38, 1-based): chr1:23,804,528, A>G on the plus strand (T>C on the coding strand, the complement: HMGCL is on the minus strand). VCF-style: chr1-23804528-A-G. GRCh37 (hg19) VCF-style: chr1-24131018-A-G.
Other names: c.538-3T>C (NM_001166059.2).
Identifiers: ClinVar variation 970766 (VCV000970766.5), dbSNP rs1356054021, ClinGen allele CA521647695.